The following is an entry in ClinVar:

ClinVar aggregate classification (germline): Uncertain significance (1 of 4 stars; one submission).

Conditions:
Lymphatic malformation 6 (LMPHM6). Also called: GENERALIZED LYMPHATIC DYSPLASIA OF FOTIOU; Lymphedema, hereditary, III; PIEZO1-related generalized lymphatic dysplasia with non-immune hydrops fetalis. Identifiers: Orphanet 568062, MedGen C4225184, MONDO:0014797, OMIM 616843.

gnomAD v4.1: 12 of 1,551,330 alleles (0.00077%); highest among the groups gnomAD compares: East Asian, 0.0024%; no homozygotes.

Submission:

Kasturba Medical College, Manipal, Kasturba Medical College, Manipal, Manipal Academy of Higher Education, Manipal, India
Classification: Uncertain significance for Lymphatic malformation 6. Review status: criteria provided, single submitter. Criteria: ACMG Guidelines, 2015. Collection method: research. Allele origin: paternal. Inheritance: Autosomal recessive inheritance. Affected: yes. Observed: 1 heterozygote.
Comment: This variant is present in heterozygous state in 12 individuals in the gnomAD (v4.1.0) population database, and absent in our in-house data of 3616 exomes. This variant is absent in homozygous state in gnomad (v4.1.0) and our in-house database. In-silico analysis tools (REVEL, CADD_phred) predict these variants to be damaging to the PIEZO1 protein function

NM_001142864.4(PIEZO1):c.6338C>T (p.Pro2113Leu)

Gene: PIEZO1 (piezo type mechanosensitive ion channel component 1 (Er blood group); minus strand). Cytogenetic location: 16q24.3.
Variant type: single nucleotide variant.
Coding change: c.6338C>T on transcript NM_001142864.4 (MANE Select); coding-DNA position 6338, C replaced by T.
Protein change: p.Pro2113Leu; replaces proline 2113 with leucine.
Molecular consequence: missense variant.
Genome position (GRCh38, 1-based): chr16:88,719,707, G>A on the plus strand (C>T on the coding strand, the complement: PIEZO1 is on the minus strand). VCF-style: chr16-88719707-G-A. GRCh37 (hg19) VCF-style: chr16-88786115-G-A.
Other names: short protein forms P2113L.
Identifiers: ClinVar variation 3906143 (VCV003906143.1).